The following is an entry in ClinVar:

NM_006514.4(SCN10A):c.3691A>G (p.Ile1231Val)

Gene: SCN10A (sodium voltage-gated channel alpha subunit 10; minus strand). Cytogenetic location: 3p22.2.
Variant type: single nucleotide variant.
Coding change: c.3691A>G on transcript NM_006514.4 (MANE Select); coding-DNA position 3691, A replaced by G.
Protein change: p.Ile1231Val; replaces isoleucine 1231 with valine.
Molecular consequence: missense variant.
Genome position (GRCh38, 1-based): chr3:38,714,071, T>C on the plus strand (A>G on the coding strand, the complement: SCN10A is on the minus strand). VCF-style: chr3-38714071-T-C. GRCh37 (hg19) VCF-style: chr3-38755562-T-C.
Other names: c.3688A>G, p.Ile1230Val (NM_001293306.2); c.3397A>G, p.Ile1133Val (NM_001293307.2); short protein forms I1133V, I1230V, I1231V.
Identifiers: ClinVar variation 1354784 (VCV001354784.6), dbSNP rs775185585, ClinGen allele CA352151869.

ClinVar aggregate classification (germline): Uncertain significance. Review status: criteria provided, multiple submitters, no conflicts (2 of 4 stars). 2 submissions from 2 submitters: Uncertain significance (2). Last evaluated 2024-04-28.

Conditions:
Cardiovascular phenotype. Identifiers: MedGen CN230736.
Brugada syndrome. Also called: Sudden unexpected nocturnal death syndrome; Sudden unexplained nocturnal death syndrome; Sudden Unexplained Death Syndrome; Sudden Unexplained Nocturnal Death Syndrome (SUNDS). Identifiers: Orphanet 130, MedGen C1142166, MONDO:0015263.

gnomAD v4.1: 7 of 1,614,070 alleles (0.00043%); highest among the groups gnomAD compares: Admixed American, 0.0067%; no homozygotes.

Submissions (2):

Ambry Genetics
Classification: Uncertain significance for Cardiovascular phenotype. Last evaluated: 2024-04-28. Review status: criteria provided, single submitter. Criteria: Ambry Variant Classification Scheme 2023. Collection method: clinical testing. Allele origin: germline.
Comment: The p.I1231V variant (also known as c.3691A>G), located in coding exon 21 of the SCN10A gene, results from an A to G substitution at nucleotide position 3691. The isoleucine at codon 1231 is replaced by valine, an amino acid with highly similar properties. This amino acid position is poorly conserved in available vertebrate species, and valine is the reference amino acid in other vertebrate species. In addition, this alteration is predicted to be tolerated by in silico analysis. Since supporting evidence is limited at this time, the clinical significance of this alteration remains unclear.

Labcorp Genetics (formerly Invitae), Labcorp
Classification: Uncertain significance for Brugada syndrome. Last evaluated: 2021-10-15. Review status: criteria provided, single submitter. Criteria: Invitae Variant Classification Sherloc (09022015). Collection method: clinical testing. Allele origin: germline.
Comment: This sequence change replaces isoleucine with valine at codon 1231 of the SCN10A protein (p.Ile1231Val). The isoleucine residue is weakly conserved and there is a small physicochemical difference between isoleucine and valine. This variant is not present in population databases (ExAC no frequency). This variant has not been reported in the literature in individuals with SCN10A-related disease. Algorithms developed to predict the effect of missense changes on protein structure and function (SIFT, PolyPhen-2, Align-GVGD) all suggest that this variant is likely to be tolerated, but these predictions have not been confirmed by published functional studies and their clinical significance is uncertain. Algorithms developed to predict the effect of sequence changes on RNA splicing suggest that this variant may create or strengthen a splice site, but this prediction has not been confirmed by published transcriptional studies. In summary, the available evidence is currently insufficient to determine the role of this variant in disease. Therefore, it has been classified as a Variant of Uncertain Significance.